The following is an entry in ClinVar:

ClinVar aggregate classification (germline): Likely benign. Review status: criteria provided, single submitter (1 of 4 stars). 2 submissions from 2 submitters: Likely benign (1). 1 of the submissions does not count toward it. Last evaluated 2025-06-16.

Conditions:
MYO5B-related disorder. Also called: MYO5B-related condition.

Allele frequency attached by ClinVar (database versions not stated): gnomAD 0.00017 and 0.00019; TOPMed 0.00022; ESP Exome Variant Server 0.00024.
gnomAD v4.1: 66 of 1,614,098 alleles (0.0041%); highest among the groups gnomAD compares: African/African-American, 0.067%; 1 homozygote.

Submissions (2):

Labcorp Genetics (formerly Invitae), Labcorp
Classification: Likely benign. Last evaluated: 2025-06-16. Review status: criteria provided, single submitter. Criteria: Invitae Variant Classification Sherloc (09022015). Collection method: clinical testing. Allele origin: germline.

PreventionGenetics, part of Exact Sciences
Classification: Likely benign for MYO5B-related condition. Last evaluated: 2022-11-28. Review status: no assertion criteria provided. Collection method: clinical testing. Allele origin: germline. Not counted in ClinVar's aggregate classification.
Comment: This variant is classified as likely benign based on ACMG/AMP sequence variant interpretation guidelines (Richards et al. 2015 PMID: 25741868, with internal and published modifications).

NM_001080467.3(MYO5B):c.4374G>A (p.Thr1458=)

Genes: MYO5B (myosin VB; minus strand), SNHG22 (small nucleolar RNA host gene 22; plus strand). Cytogenetic location: 18q21.1.
Variant type: single nucleotide variant.
Coding change: c.4374G>A on transcript NM_001080467.3 (MANE Select); coding-DNA position 4374, G replaced by A.
Protein change: p.Thr1458=; no amino-acid change (threonine 1458 retained).
Molecular consequence: synonymous variant.
Genome position (GRCh38, 1-based): chr18:49,847,231, C>T on the plus strand (G>A on the coding strand, the complement: MYO5B is on the minus strand). VCF-style: chr18-49847231-C-T. GRCh37 (hg19) VCF-style: chr18-47373601-C-T.
Other names: c.4374G>A (NM_001080467.2).
Identifiers: ClinVar variation 1579992 (VCV001579992.10), dbSNP rs373704566, ClinGen allele CA8960380.